The following is an entry in ClinVar:

ClinVar aggregate classification (germline): Uncertain significance (1 of 4 stars; one submission).

gnomAD v4.1: 1 of 1,612,278 alleles (0.000062%); highest among the groups gnomAD compares: Admixed American, 0.0017%; no homozygotes.

Submission:

Labcorp Genetics (formerly Invitae), Labcorp
Classification: Uncertain significance. Last evaluated: 2024-03-24. Review status: criteria provided, single submitter. Criteria: Invitae Variant Classification Sherloc (09022015). Collection method: clinical testing. Allele origin: germline.
Comment: This sequence change replaces arginine, which is basic and polar, with isoleucine, which is neutral and non-polar, at codon 296 of the REST protein (p.Arg296Ile). The frequency data for this variant in the population databases is considered unreliable, as metrics indicate poor data quality at this position in the gnomAD database. This variant has not been reported in the literature in individuals affected with REST-related conditions. An algorithm developed to predict the effect of missense changes on protein structure and function (PolyPhen-2) suggests that this variant is likely to be disruptive. In summary, the available evidence is currently insufficient to determine the role of this variant in disease. Therefore, it has been classified as a Variant of Uncertain Significance.

NM_005612.5(REST):c.887G>T (p.Arg296Ile)

Gene: REST (RE1 silencing transcription factor; plus strand). Cytogenetic location: 4q12.
Variant type: single nucleotide variant.
Coding change: c.887G>T on transcript NM_005612.5 (MANE Select); coding-DNA position 887, G replaced by T.
Protein change: p.Arg296Ile; replaces arginine 296 with isoleucine.
Molecular consequence: missense variant.
Genome position (GRCh38, 1-based): chr4:56,911,525, G>T. VCF-style: chr4-56911525-G-T. GRCh37 (hg19) VCF-style: chr4-57777691-G-T.
Other names: c.887G>T, p.Arg296Ile (NM_001193508.2, NM_001363453.3); short protein forms R296I.
Identifiers: ClinVar variation 3603353 (VCV003603353.2).